The following is an entry in ClinVar:

ClinVar aggregate classification (germline): Benign. Review status: criteria provided, single submitter (1 of 4 stars). 2 submissions from 2 submitters: Benign (1). 1 of the submissions does not count toward it. Last evaluated 2018-07-18.

Conditions:
VWA2-related disorder. Also called: VWA2-related condition.

Allele frequency attached by ClinVar (database versions not stated): gnomAD exomes 0.00053; ExAC 0.00071; gnomAD 0.00212 and 0.00228; TOPMed 0.00224; 1000 Genomes Project 30x 0.00265; ESP Exome Variant Server 0.00269; 1000 Genomes Project 0.00280.
gnomAD v4.1: 763 of 1,610,326 alleles (0.047%); highest among the groups gnomAD compares: African/African-American, 0.69%; 2 homozygotes.

Submissions (2):

Labcorp Genetics (formerly Invitae), Labcorp
Classification: Benign. Last evaluated: 2018-07-18. Review status: criteria provided, single submitter. Criteria: Invitae Variant Classification Sherloc (09022015). Collection method: clinical testing. Allele origin: germline.

PreventionGenetics, part of Exact Sciences
Classification: Benign for VWA2-related condition. Last evaluated: 2020-01-06. Review status: no assertion criteria provided. Collection method: clinical testing. Allele origin: germline. Not counted in ClinVar's aggregate classification.
Comment: This variant is classified as benign based on ACMG/AMP sequence variant interpretation guidelines (Richards et al. 2015 PMID: 25741868, with internal and published modifications).

NM_001272046.2(VWA2):c.594C>T (p.Ser198=)

Gene: VWA2 (von Willebrand factor A domain containing 2; plus strand). Cytogenetic location: 10q25.3.
Variant type: single nucleotide variant.
Coding change: c.594C>T on transcript NM_001272046.2 (MANE Select); coding-DNA position 594, C replaced by T.
Protein change: p.Ser198=; no amino-acid change (serine 198 retained).
Molecular consequence: synonymous variant.
Genome position (GRCh38, 1-based): chr10:114,277,941, C>T. VCF-style: chr10-114277941-C-T. GRCh37 (hg19) VCF-style: chr10-116037700-C-T.
Other names: c.594C>T, p.Ser198= (NM_001320804.1).
Identifiers: ClinVar variation 732656 (VCV000732656.5), dbSNP rs34253448, ClinGen allele CA5700376.